The following is an entry in ClinVar:

NM_012448.4(STAT5B):c.2314C>T (p.Leu772Phe)

Gene: STAT5B (signal transducer and activator of transcription 5B; minus strand). Cytogenetic location: 17q21.2.
Variant type: single nucleotide variant.
Coding change: c.2314C>T on transcript NM_012448.4 (MANE Select); coding-DNA position 2314, C replaced by T.
Protein change: p.Leu772Phe; replaces leucine 772 with phenylalanine.
Molecular consequence: missense variant.
Genome position (GRCh38, 1-based): chr17:42,201,788, G>A on the plus strand (C>T on the coding strand, the complement: STAT5B is on the minus strand). VCF-style: chr17-42201788-G-A. GRCh37 (hg19) VCF-style: chr17-40353806-G-A.
Other names: short protein forms L772F.
Identifiers: ClinVar variation 1900360 (VCV001900360.6), dbSNP rs1598291639, ClinGen allele CA399572479.

ClinVar aggregate classification (germline): Uncertain significance. Review status: criteria provided, multiple submitters, no conflicts (2 of 4 stars). 2 submissions from 2 submitters: Uncertain significance (2). Last evaluated 2025-04-09.

Conditions:
Inborn genetic diseases. Identifiers: MedGen C0950123, MeSH D030342.
Growth hormone insensitivity with immune dysregulation 1, autosomal recessive. Also called: GROWTH HORMONE INSENSITIVITY SYNDROME WITH IMMUNE DYSREGULATION 1, AUTOSOMAL RECESSIVE; GROWTH HORMONE INSENSITIVITY DUE TO POSTRECEPTOR DEFECT; LARON SYNDROME DUE TO POSTRECEPTOR DEFECT; Laron syndrome with immunodeficiency. Identifiers: Orphanet 220465, MedGen C5435698, MONDO:0100211, OMIM 245590.

Allele frequency attached by ClinVar (database versions not stated): gnomAD 0.00001.
gnomAD v4.1: 4 of 1,614,160 alleles (0.00025%); highest among the groups gnomAD compares: Middle Eastern, 0.033%; no homozygotes.

Submissions (2):

Ambry Genetics
Classification: Uncertain significance for Inborn genetic diseases. Last evaluated: 2025-04-09. Review status: criteria provided, single submitter. Criteria: Ambry Variant Classification Scheme 2023. Collection method: clinical testing. Allele origin: germline.

Labcorp Genetics (formerly Invitae), Labcorp
Classification: Uncertain significance for Growth hormone insensitivity with immune dysregulation 1, autosomal recessive. Last evaluated: 2023-08-04. Review status: criteria provided, single submitter. Criteria: Invitae Variant Classification Sherloc (09022015). Collection method: clinical testing. Allele origin: germline.
Comment: This variant is not present in population databases (gnomAD no frequency). In summary, the available evidence is currently insufficient to determine the role of this variant in disease. Therefore, it has been classified as a Variant of Uncertain Significance. An algorithm developed to predict the effect of missense changes on protein structure and function (PolyPhen-2) suggests that this variant is likely to be disruptive. ClinVar contains an entry for this variant (Variation ID: 1900360). This variant has not been reported in the literature in individuals affected with STAT5B-related conditions. This sequence change replaces leucine, which is neutral and non-polar, with phenylalanine, which is neutral and non-polar, at codon 772 of the STAT5B protein (p.Leu772Phe).